The following is an entry in ClinVar:

NM_002691.4(POLD1):c.2244T>C (p.Ser748=)

Gene: POLD1 (DNA polymerase delta 1, catalytic subunit; plus strand). Cytogenetic location: 19q13.33.
Variant type: single nucleotide variant.
Coding change: c.2244T>C on transcript NM_002691.4 (MANE Select); coding-DNA position 2244, T replaced by C.
Protein change: p.Ser748=; no amino-acid change (serine 748 retained).
Molecular consequence: synonymous variant. On other transcripts: non-coding transcript variant (1).
Genome position (GRCh38, 1-based): chr19:50,413,515, T>C. VCF-style: chr19-50413515-T-C. GRCh37 (hg19) VCF-style: chr19-50916772-T-C.
Other names: p.Ser748=; c.2244T>C, p.Ser748= (NM_001256849.1); c.2322T>C, p.Ser774= (NM_001308632.1).
Identifiers: ClinVar variation 380228 (VCV000380228.28), dbSNP rs1274607, ClinGen allele CA9596444.
Genomic context (GRCh38, chr19:50,413,515, plus strand): 5'-CGAGAAAACCAAGCAGCTGGTGGAGTCTAAGTACACAGTGGAGAATGGCTACAGCACCAG[T>C]GCCAAGGTCGGGGGCTGCCCACCGCTGCCCTGAGATGGGCCCAGGGCAGGTGGGGGGATG-3'
Protein context (NP_002682.2, residues 738-758): KYTVENGYST[Ser748=]AKVVYGDTDS

ClinVar aggregate classification (germline): Benign. Review status: criteria provided, multiple submitters, no conflicts (2 of 4 stars). 13 submissions from 13 submitters: Benign (10). 3 of the submissions do not count toward it. Last evaluated 2026-02-04.

Conditions:
Carcinoma of colon (CRC). Also called: Colon carcinoma; Colonic carcinoma. Identifiers: MedGen C0699790, MONDO:0002032.
Hereditary cancer-predisposing syndrome. Also called: Neoplastic Syndromes, Hereditary; Hereditary neoplastic syndrome; Hereditary Cancer Syndrome; Tumor predisposition. Identifiers: Orphanet 140162, MedGen C0027672, MeSH D009386, MONDO:0015356.
POLD1-related polyposis and colorectal cancer syndrome (CRCS10). Also called: Colorectal cancer, susceptibility to, 10; Colorectal cancer 10; COLORECTAL CANCER, SUSCEPTIBILITY TO, ON CHROMOSOME 19q. Identifiers: Orphanet 220460, MedGen C2675481, MONDO:0012953, OMIM 612591.

Allele frequency attached by ClinVar (database versions not stated): gnomAD exomes 0.01241 and 0.03154; ExAC 0.04496; gnomAD 0.10065 and 0.10634; ESP Exome Variant Server 0.10926; TOPMed 0.11320; 1000 Genomes Project 0.11841; 1000 Genomes Project 30x 0.12242.
gnomAD v4.1: 34,210 of 1,607,560 alleles (2.1%); highest among the groups gnomAD compares: African/African-American, 34%; 4,681 homozygotes.

Submissions (13):

Labcorp Genetics (formerly Invitae), Labcorp
Classification: Benign for POLD1-related polyposis and colorectal cancer syndrome. Last evaluated: 2026-02-04. Review status: criteria provided, single submitter. Criteria: Invitae Variant Classification Sherloc (09022015). Collection method: clinical testing. Allele origin: germline.

Center for Genomic Medicine, Rigshospitalet, Copenhagen University Hospital
Classification: Benign. Last evaluated: 2025-03-04. Review status: criteria provided, single submitter. Criteria: ACMG Guidelines, 2015. Collection method: clinical testing. Allele origin: germline.

Institute for Biomarker Research, Medical Diagnostic Laboratories, L.L.C.
Classification: Benign for Hereditary cancer-predisposing syndrome. Last evaluated: 2025-01-20. Review status: criteria provided, single submitter. Criteria: ACMG Guidelines, 2015. Collection method: clinical testing. Allele origin: germline.
Comment: The synonymous variant NM_001308632.1(POLD1):c.2322T>C (p.Ser774=) has been reported to ClinVar as Benign with a status of (2 stars) criteria provided, multiple submitters, no conflicts (Variation ID 380228 as of 2025-01-02). The p.Ser774= variant is observed in 593/5,008 (11.8411%) alleles from individuals of 1kG All background in 1kG, indicating it is a common benign variant. The p.Ser774= variant is not predicted to disrupt the existing donor splice site 7bp upstream by any splice site algorithm. The p.Ser774= variant results in a substitution of a base that is not predicted conserved by GERP++ and PhyloP. For these reasons, this variant has been classified as Benign.

KCCC/NGS Laboratory, Kuwait Cancer Control Center
Classification: Benign for POLD1-related polyposis and colorectal cancer syndrome. Last evaluated: 2023-07-07. Review status: criteria provided, single submitter. Criteria: ACMG Guidelines, 2015. Collection method: clinical testing. Allele origin: germline. Affected: yes.

Mayo Clinic Laboratories, Mayo Clinic
Classification: Benign. Last evaluated: 2021-05-06. Review status: criteria provided, single submitter. Criteria: ACMG Guidelines, 2015. Collection method: clinical testing. Allele origin: germline. Observed: 16 variant alleles.

PreventionGenetics, part of Exact Sciences
Classification: Benign. Last evaluated: 2017-03-22. Review status: criteria provided, single submitter. Criteria: ACMG Guidelines, 2015. Collection method: clinical testing. Allele origin: germline.

Women's Health and Genetics/Laboratory Corporation of America, LabCorp
Classification: Benign. Last evaluated: 2016-05-19. Review status: criteria provided, single submitter. Criteria: LabCorp Variant Classification Summary - May 2015. Collection method: clinical testing. Allele origin: germline.
Comment: Variant summary: The POLD1 c.2244T>C (p.Ser748Ser) variant involves the alteration of a non-conserved nucleotide, resulting in a synonymous change. One in silico tool predicts a polymorphism outcome for this variant. 5/5 splice prediction tools predict no significant impact on normal splicing. This variant was found in 4143/92154 control chromosomes (542 homozygotes), predominantly observed in the African subpopulation at a frequency of 0.3593498 (3117/8674). This frequency is about 25298 times the estimated maximal expected allele frequency of a pathogenic POLD1 variant (0.0000142), suggesting this is likely a benign polymorphism found primarily in the populations of African origin. The variant of interest has not, to our knowledge, been reported in affected individuals via publications and/or reputable databases/clinical diagnostic laboratories; nor evaluated for functional impact by in vivo/vitro studies. Taken together, this variant is classified as benign.

GeneDx
Classification: Benign. Last evaluated: 2015-11-06. Review status: criteria provided, single submitter. Criteria: GeneDx Variant Classification (06012015). Collection method: clinical testing. Allele origin: germline. Affected: yes.
Comment: This variant is considered likely benign or benign based on one or more of the following criteria: it is a conservative change, it occurs at a poorly conserved position in the protein, it is predicted to be benign by multiple in silico algorithms, and/or has population frequency not consistent with disease.

Ambry Genetics
Classification: Benign for Hereditary cancer-predisposing syndrome. Last evaluated: 2015-05-20. Review status: criteria provided, single submitter. Criteria: Ambry Variant Classification Scheme 2023. Collection method: clinical testing. Allele origin: germline.

Breakthrough Genomics
Classification: Benign. Review status: criteria provided, single submitter. Criteria: ACMG Guidelines, 2015. Collection method: not provided. Allele origin: germline. Inheritance: Autosomal dominant inheritance. Affected: yes.

Clinical Genetics, Academic Medical Center
Classification: Benign. Review status: no assertion criteria provided. Collection method: clinical testing. Allele origin: germline. Affected: yes. Study: VKGL Data-share Consensus. Not counted in ClinVar's aggregate classification.

Department of Pathology and Laboratory Medicine, Sinai Health System
Classification: Benign for Carcinoma of colon. Review status: no assertion criteria provided. Collection method: clinical testing. Allele origin: unknown. Affected: yes. Study: The Canadian Open Genetics Repository (COGR). Not counted in ClinVar's aggregate classification.
Comment: The POLD1 p.Ser748= variant was identified in dbSNP (ID: rs1274607) as â€šÃ„ÃºWith Benign alleleâ€šÃ„Ã¹, ClinVar (classified benign by GeneDx, Invitae and Ambry Genetics), and in control databases in 10176 of 264892 chromosomes (1384 homozygous) at a frequency of 0.04 increasing the likelihood this could be a low frequency benign variant (Genome Aggregation Database Feb 27, 2017). Breakdown of the observations by population include African in 7802 (1337 homozygous) of 22948 chromosomes (freq: 0.34), Other in 124 (3 homozygous) of 6258 chromosomes (freq: 0.02), Latino in 670 (13 homozygous) of 33116 chromosomes (freq: 0.02), European Non-Finnish in 216 of 120574 chromosomes (freq: 0.002), Ashkenazi Jewish in 195 (2 homozygous) of 9974 chromosomes (freq: 0.02), East Asian in 21 of 17784 chromosomes (freq: 0.001), and South Asian in 1148 (29 homozygous) of 29792 chromosomes (freq: 0.04), while not observed in the European Finnish population. The p.Ser748Ser variant is not expected to have clinical significance because it does not result in a change of amino acid and is not located in a known consensus splice site. In addition, in silico or computational prediction software programs (SpliceSiteFinder, MaxEntScan, NNSPLICE, GeneSplicer, HumanSpliceFinder) do not predict a difference in splicing. In summary, based on the above information this variant meets our laboratory's criteria to be classified as benign.

Laboratory of Diagnostic Genome Analysis, Leiden University Medical Center (LUMC)
Classification: Benign. Review status: no assertion criteria provided. Collection method: clinical testing. Allele origin: germline. Affected: yes. Study: VKGL Data-share Consensus. Not counted in ClinVar's aggregate classification.